The following is an entry in ClinVar:

ClinVar aggregate classification (germline): Uncertain significance. Review status: criteria provided, multiple submitters, no conflicts (2 of 4 stars). 2 submissions from 2 submitters: Uncertain significance (2). Last evaluated 2026-02-11.

Conditions:
TTC21B-related disorder. Also called: TTC21B-related disorders; TTC21B-related condition.
Inborn genetic diseases. Identifiers: MedGen C0950123, MeSH D030342.

gnomAD v4.1: 6 of 1,613,836 alleles (0.00037%); highest among the groups gnomAD compares: Admixed American, 0.005%; no homozygotes.

Submissions (2):

PreventionGenetics, part of Exact Sciences
Classification: Uncertain significance for TTC21B-related condition. Last evaluated: 2026-02-11. Review status: criteria provided, single submitter. Criteria: ACMG Guidelines, 2015. Collection method: clinical testing. Allele origin: germline.
Comment: The TTC21B c.2419A>G variant is predicted to result in the amino acid substitution p.Lys807Glu. To our knowledge, this variant has not been reported in the literature. This variant is reported in 0.0087% of alleles in individuals of Latino descent in gnomAD. At this time, the clinical significance of this variant is uncertain due to the absence of conclusive functional and genetic evidence.

Ambry Genetics
Classification: Uncertain significance for Inborn genetic diseases. Last evaluated: 2024-11-14. Review status: criteria provided, single submitter. Criteria: Ambry Variant Classification Scheme 2023. Collection method: clinical testing. Allele origin: germline.

NM_024753.5(TTC21B):c.2419A>G (p.Lys807Glu)

Gene: TTC21B (tetratricopeptide repeat domain 21B; minus strand). Cytogenetic location: 2q24.3.
Variant type: single nucleotide variant.
Coding change: c.2419A>G on transcript NM_024753.5 (MANE Select); coding-DNA position 2419, A replaced by G.
Protein change: p.Lys807Glu; replaces lysine 807 with glutamic acid.
Molecular consequence: missense variant.
Genome position (GRCh38, 1-based): chr2:165,911,369, T>C on the plus strand (A>G on the coding strand, the complement: TTC21B is on the minus strand). VCF-style: chr2-165911369-T-C. GRCh37 (hg19) VCF-style: chr2-166767879-T-C.
Other names: c.2419A>G (NM_024753.4); short protein forms K807E.
Identifiers: ClinVar variation 3463244 (VCV003463244.2).
Genomic context (GRCh38, chr2:165,911,369, plus strand): 5'-CCAGAAAGACTTTCATACCAGGTTCATGAGCCAGAGCATGCTGAAGAACTTTTTCTGCTT[T>C]GTCATACCATTTCAATTTTAATAAGAGCTCAGCCAGGTCATAGCAAAGATAATTCTTTTG-3'
Protein context (NP_079029.3, residues 797-817): ELLLKLKWYD[Lys807Glu]AEKVLQHALA